The following is an entry in ClinVar:

NM_013254.4(TBK1):c.1846_1849del (p.Ser616fs)

Gene: TBK1 (TANK binding kinase 1; plus strand). Cytogenetic location: 12q14.2.
Variant type: Deletion.
Coding change: c.1846_1849del on transcript NM_013254.4 (MANE Select); coding-DNA positions 1846 to 1849, 4 bases deleted (TCAG; older notation c.1846_1849delTCAG).
Protein change: p.Ser616fs; shifts the reading frame from serine 616.
Molecular consequence: frameshift variant.
Genome position (GRCh38, 1-based): chr12:64,497,034-64,497,037, TCAG deleted; deleting any 4 consecutive bases within chr12:64,497,032-64,497,037 gives the same sequence; the c. name uses the placement nearest the transcript's 3' end. VCF-style (leftmost placement, unchanged base first): chr12-64497031-AAGTC-A. GRCh37 (hg19) VCF-style: chr12-64890811-AAGTC-A.
Other names: short protein forms S616fs.
Identifiers: ClinVar variation 1395761 (VCV001395761.6), dbSNP rs2136088227, ClinGen allele CA2573148973.

ClinVar aggregate classification (germline): Pathogenic (1 of 4 stars; one submission).

Conditions:
Frontotemporal dementia and/or amyotrophic lateral sclerosis 4. Also called: FTDALS4. Identifiers: Orphanet 275872, MedGen C4225325, MONDO:0014641, OMIM 616439.

Submission:

Labcorp Genetics (formerly Invitae), Labcorp
Classification: Pathogenic for Frontotemporal dementia and/or amyotrophic lateral sclerosis 4. Last evaluated: 2025-02-13. Review status: criteria provided, single submitter. Criteria: Invitae Variant Classification Sherloc (09022015). Collection method: clinical testing. Allele origin: germline.
Comment: This sequence change creates a premature translational stop signal (p.Ser616Lysfs*4) in the TBK1 gene. It is expected to result in an absent or disrupted protein product. Loss-of-function variants in TBK1 are known to be pathogenic (PMID: 25803835, 26476236, 26581300). This variant is not present in population databases (gnomAD no frequency). This variant has not been reported in the literature in individuals affected with TBK1-related conditions. ClinVar contains an entry for this variant (Variation ID: 1395761). For these reasons, this variant has been classified as Pathogenic.

Literature cited by the submitters: PubMed 25803835; PubMed 26476236; PubMed 26581300.